The following is an entry in ClinVar:

NM_004586.3(RPS6KA3):c.1467G>A (p.Val489=)

Gene: RPS6KA3 (ribosomal protein S6 kinase A3; minus strand). Cytogenetic location: Xp22.12.
Variant type: single nucleotide variant.
Coding change: c.1467G>A on transcript NM_004586.3 (MANE Select); coding-DNA position 1467, G replaced by A.
Protein change: p.Val489=; no amino-acid change (valine 489 retained).
Molecular consequence: synonymous variant.
Genome position (GRCh38, 1-based): chrX:20,167,724, C>T on the plus strand (G>A on the coding strand, the complement: RPS6KA3 is on the minus strand). VCF-style: chrX-20167724-C-T. GRCh37 (hg19) VCF-style: chrX-20185842-C-T.
Identifiers: ClinVar variation 742509 (VCV000742509.7), dbSNP rs1277225078, ClinGen allele CA515613969.

ClinVar aggregate classification (germline): Likely benign. Review status: criteria provided, single submitter (1 of 4 stars). 2 submissions from 2 submitters: Likely benign (1). 1 of the submissions does not count toward it. Last evaluated 2024-02-06.

Conditions:
RPS6KA3-related disorder. Also called: RPS6KA3-related condition.
Coffin-Lowry syndrome (CLS). Also called: COFFIN-LOWRY SYNDROME, MILD; Mental retardation with osteocartilaginous abnormalities. Identifiers: Orphanet 192, MedGen C0265252, MONDO:0010561, OMIM 303600.
Intellectual developmental disorder, X-linked 19. Also called: Intellectual disability, X-linked 19. Identifiers: Orphanet 777, MedGen C0796225, MONDO:0010447, OMIM 300844.

Allele frequency attached by ClinVar (database versions not stated): gnomAD exomes 0.00002 and below 0.00001.
gnomAD v4.1: 4 of 1,157,960 alleles (0.00035%); highest among the groups gnomAD compares: Admixed American, 0.0087%; no homozygotes.

Submissions (2):

Labcorp Genetics (formerly Invitae), Labcorp
Classification: Likely benign for Coffin-Lowry syndrome; Intellectual developmental disorder, X-linked 19. Last evaluated: 2024-02-06. Review status: criteria provided, single submitter. Criteria: Invitae Variant Classification Sherloc (09022015). Collection method: clinical testing. Allele origin: germline.

PreventionGenetics, part of Exact Sciences
Classification: Likely benign for RPS6KA3-related condition. Last evaluated: 2024-03-09. Review status: no assertion criteria provided. Collection method: clinical testing. Allele origin: germline. Not counted in ClinVar's aggregate classification.
Comment: This variant is classified as likely benign based on ACMG/AMP sequence variant interpretation guidelines (Richards et al. 2015 PMID: 25741868, with internal and published modifications).